The following is an entry in ClinVar:

ClinVar aggregate classification (germline): Conflicting classifications of pathogenicity. Review status: criteria provided, conflicting classifications (1 of 4 stars). 4 submissions from 4 submitters: Uncertain significance (2); Likely benign (2). Last evaluated 2025-08-12.

Conditions:
Familial thoracic aortic aneurysm and aortic dissection (TAAD). Also called: Thoracic aortic aneurysms and dissections. Identifiers: Orphanet 91387, MedGen C4707243, MONDO:0019625.
Marfan syndrome (MFS). Also called: MARFAN SYNDROME, TYPE I; FBN1-Related Marfan Syndrome; Marfan syndrome type 1; Marfan's syndrome; Marfan syndrome, classic. Identifiers: Orphanet 284963, Orphanet 558, MedGen C0024796, MONDO:0007947, OMIM 154700.

Allele frequency attached by ClinVar (database versions not stated): ExAC 0.00001; gnomAD 0.00001; TOPMed 0.00001; gnomAD exomes 0.00002.
gnomAD v4.1: 31 of 1,614,050 alleles (0.0019%); highest among the groups gnomAD compares: Non-Finnish European, 0.0025%; no homozygotes.

Submissions (4):

Labcorp Genetics (formerly Invitae), Labcorp
Classification: Likely benign for Marfan syndrome; Familial thoracic aortic aneurysm and aortic dissection. Last evaluated: 2025-08-12. Review status: criteria provided, single submitter. Criteria: Invitae Variant Classification Sherloc (09022015). Collection method: clinical testing. Allele origin: germline.

Color Diagnostics, LLC DBA Color Health
Classification: Likely benign for Familial thoracic aortic aneurysm and aortic dissection. Last evaluated: 2025-05-26. Review status: criteria provided, single submitter. Criteria: ACMG Guidelines, 2015. Collection method: clinical testing. Allele origin: germline.

All of Us Research Program, National Institutes of Health
Classification: Uncertain significance for Marfan syndrome. Last evaluated: 2024-02-22. Review status: criteria provided, single submitter. Criteria: ACMG Guidelines, 2015. Collection method: clinical testing. Allele origin: germline. Inheritance: Autosomal dominant inheritance. Observed: 2 variant alleles, 2 heterozygotes.
Comment: This missense variant replaces isoleucine with valine at codon 864 of the FBN1 protein. Computational prediction suggests that this variant may not impact protein structure and function (internally defined REVEL score threshold <= 0.5, PMID: 27666373). To our knowledge, functional studies have not been reported for this variant. This variant has not been reported in individuals affected with FBN1-related disorders in the literature. This variant has been identified in 3/251454 chromosomes in the general population by the Genome Aggregation Database (gnomAD). The available evidence is insufficient to determine the role of this variant in disease conclusively. Therefore, this variant is classified as a Variant of Uncertain Significance.

This study involves interpretation of variants in research participants for the purpose of population health screening. Participant phenotype was not available at the time of variant classification. Additional details can be found in publication PMID: 35346344, PMCID: PMC8962531

Ambry Genetics
Classification: Uncertain significance for Familial thoracic aortic aneurysm and aortic dissection. Last evaluated: 2023-04-11. Review status: criteria provided, single submitter. Criteria: Ambry Variant Classification Scheme 2023. Collection method: clinical testing. Allele origin: germline.
Comment: The p.I864V variant (also known as c.2590A>G), located in coding exon 21 of the FBN1 gene, results from an A to G substitution at nucleotide position 2590. The isoleucine at codon 864 is replaced by valine, an amino acid with highly similar properties. This amino acid position is not well conserved in available vertebrate species. In addition, this alteration is predicted to be tolerated by in silico analysis. Since supporting evidence is limited at this time, the clinical significance of this alteration remains unclear.

NM_000138.5(FBN1):c.2590A>G (p.Ile864Val)

Gene: FBN1 (fibrillin 1; minus strand). Cytogenetic location: 15q21.1.
Variant type: single nucleotide variant.
Coding change: c.2590A>G on transcript NM_000138.5 (MANE Select); coding-DNA position 2590, A replaced by G.
Protein change: p.Ile864Val; replaces isoleucine 864 with valine.
Molecular consequence: missense variant.
Genome position (GRCh38, 1-based): chr15:48,495,210, T>C on the plus strand (A>G on the coding strand, the complement: FBN1 is on the minus strand). VCF-style: chr15-48495210-T-C. GRCh37 (hg19) VCF-style: chr15-48787407-T-C.
Other names: c.2590A>G, p.Ile864Val (NM_001406716.1); short protein forms I864V.
Identifiers: ClinVar variation 2567909 (VCV002567909.9), dbSNP rs763895619, ClinGen allele CA048126.